The following is an entry in ClinVar:

ClinVar aggregate classification (germline): Uncertain significance (1 of 4 stars; one submission).

Conditions:
CIC-related disorder. Also called: CIC-related condition.

Submission:

PreventionGenetics, part of Exact Sciences
Classification: Uncertain significance for CIC-related condition. Last evaluated: 2026-06-25. Review status: criteria provided, single submitter. Criteria: ACMG Guidelines, 2015. Collection method: clinical testing. Allele origin: germline.
Comment: The CIC c.1088T>A variant is predicted to result in the amino acid substitution p.Leu363Gln. To our knowledge, this variant has not been reported in the literature or in a large population database (gnomAD), indicating this variant is rare. At this time, the clinical significance of this variant is uncertain due to the absence of conclusive functional and genetic evidence.

NM_001386298.1(CIC):c.3815T>A (p.Leu1272Gln)

Gene: CIC (capicua transcriptional repressor; plus strand). Cytogenetic location: 19q13.2.
Variant type: single nucleotide variant.
Coding change: c.3815T>A on transcript NM_001386298.1 (MANE Select); coding-DNA position 3815, T replaced by A.
Protein change: p.Leu1272Gln; replaces leucine 1272 with glutamine.
Molecular consequence: missense variant.
Genome position (GRCh38, 1-based): chr19:42,289,044, T>A. VCF-style: chr19-42289044-T-A. GRCh37 (hg19) VCF-style: chr19-42793196-T-A.
Other names: c.3815T>A, p.Leu1272Gln (NM_001304815.2, NM_001379480.1, NM_001379482.1 and 6 more transcripts); c.1088T>A, p.Leu363Gln (NM_001379484.1, NM_001379485.1, NM_001439189.1 and 3 more transcripts); short protein forms L1272Q, L363Q.
Identifiers: ClinVar variation 4993516 (VCV004993516.1).